The following is an entry in ClinVar:

NM_013339.4(ALG6):c.104T>C (p.Phe35Ser)

Gene: ALG6 (ALG6 alpha-1,3-glucosyltransferase; plus strand). Cytogenetic location: 1p31.3.
Variant type: single nucleotide variant.
Coding change: c.104T>C on transcript NM_013339.4 (MANE Select); coding-DNA position 104, T replaced by C.
Protein change: p.Phe35Ser; replaces phenylalanine 35 with serine.
Molecular consequence: missense variant.
Genome position (GRCh38, 1-based): chr1:63,396,534, T>C. VCF-style: chr1-63396534-T-C. GRCh37 (hg19) VCF-style: chr1-63862205-T-C.
Other names: c.104T>C (NM_013339.3); short protein forms F35S.
Identifiers: ClinVar variation 2202539 (VCV002202539.2), dbSNP rs1450453413, ClinGen allele CA340632729.

ClinVar aggregate classification (germline): Uncertain significance. Review status: criteria provided, multiple submitters, no conflicts (2 of 4 stars). 2 submissions from 2 submitters: Uncertain significance (2). Last evaluated 2026-06-10.

Conditions:
ALG6-related disorder. Also called: ALG6-related condition.
ALG6-congenital disorder of glycosylation 1C (CDG1C). Also called: Congenital disorder of glycosylation, type Ic; CARBOHYDRATE-DEFICIENT GLYCOPROTEIN SYNDROME, TYPE I, WITH DEFICIENT GLYCOSYLATION OF DOLICHOL-LINKED OLIGOSACCHARIDE; CARBOHYDRATE-DEFICIENT GLYCOPROTEIN SYNDROME, TYPE V; Congenital disorder of glycosylation type 1C; CDG Ic. Identifiers: Orphanet 79320, MedGen C2930997, MONDO:0011291, OMIM 603147.

Allele frequency attached by ClinVar (database versions not stated): gnomAD 0.00001.
gnomAD v4.1: 1 of 1,614,016 alleles (0.000062%); highest among the groups gnomAD compares: Admixed American, 0.0017%; no homozygotes.

Submissions (2):

PreventionGenetics, part of Exact Sciences
Classification: Uncertain significance for ALG6-related condition. Last evaluated: 2026-06-10. Review status: criteria provided, single submitter. Criteria: ACMG Guidelines, 2015. Collection method: clinical testing. Allele origin: germline.
Comment: The ALG6 c.104T>C variant is predicted to result in the amino acid substitution p.Phe35Ser. To our knowledge, this variant has not been reported in the literature. This variant is reported in 0.0054% of alleles in individuals of East Asian descent in gnomAD. At this time, the clinical significance of this variant is uncertain due to the absence of conclusive functional and genetic evidence.

Labcorp Genetics (formerly Invitae), Labcorp
Classification: Uncertain significance for ALG6-congenital disorder of glycosylation 1C. Last evaluated: 2022-03-13. Review status: criteria provided, single submitter. Criteria: Invitae Variant Classification Sherloc (09022015). Collection method: clinical testing. Allele origin: germline.
Comment: This sequence change replaces phenylalanine, which is neutral and non-polar, with serine, which is neutral and polar, at codon 35 of the ALG6 protein (p.Phe35Ser). This variant is present in population databases (no rsID available, gnomAD 0.006%). This variant has not been reported in the literature in individuals affected with ALG6-related conditions. Algorithms developed to predict the effect of missense changes on protein structure and function are either unavailable or do not agree on the potential impact of this missense change (SIFT: "Tolerated"; PolyPhen-2: "Possibly Damaging"; Align-GVGD: "Class C15"). In summary, the available evidence is currently insufficient to determine the role of this variant in disease. Therefore, it has been classified as a Variant of Uncertain Significance.